The following is an entry in ClinVar:

ClinVar aggregate classification (germline): Uncertain significance (1 of 4 stars; one submission).

Submission:

GeneDx
Classification: Uncertain significance. Last evaluated: 2022-04-07. Review status: criteria provided, single submitter. Criteria: GeneDx Variant Classification Process June 2021. Collection method: clinical testing. Allele origin: germline. Affected: yes.
Comment: Not observed at significant frequency in large population cohorts (gnomAD); In silico analysis supports that this missense variant has a deleterious effect on protein structure/function; Has not been previously published as pathogenic or benign to our knowledge

NM_020937.4(FANCM):c.5563T>A (p.Tyr1855Asn)

Gene: FANCM (FA complementation group M; plus strand). Cytogenetic location: 14q21.2.
Variant type: single nucleotide variant.
Coding change: c.5563T>A on transcript NM_020937.4 (MANE Select); coding-DNA position 5563, T replaced by A.
Protein change: p.Tyr1855Asn; replaces tyrosine 1855 with asparagine.
Molecular consequence: missense variant.
Genome position (GRCh38, 1-based): chr14:45,196,394, T>A. VCF-style: chr14-45196394-T-A. GRCh37 (hg19) VCF-style: chr14-45665597-T-A.
Other names: c.5485T>A, p.Tyr1829Asn (NM_001308133.2); short protein forms Y1829N, Y1855N.
Identifiers: ClinVar variation 1708598 (VCV001708598.2), dbSNP rs2503270397, ClinGen allele CA389586129.